The following is an entry in ClinVar:

NM_007294.4(BRCA1):c.5407-13C>T

Gene: BRCA1 (BRCA1 DNA repair associated; minus strand). Cytogenetic location: 17q21.31.
Variant type: single nucleotide variant.
Coding change: c.5407-13C>T on transcript NM_007294.4 (MANE Select); 13 bases into the intron before coding-DNA position 5407, C replaced by T.
Molecular consequence: intron variant.
Genome position (GRCh38, 1-based): chr17:43,047,716, G>A on the plus strand (C>T on the coding strand, the complement: BRCA1 is on the minus strand). VCF-style: chr17-43047716-G-A. GRCh37 (hg19) VCF-style: chr17-41199733-G-A.
Other names: c.1972-13C>T (NM_001408440.1, NM_001408433.1, NM_001408441.1 and 10 more transcripts); c.1975-13C>T (NM_001408428.1, NM_001408429.1, NM_001408426.1 and 4 more transcripts); c.5281-13C>T (NM_001407678.1, NM_001407673.1, NM_001407674.1 and 8 more transcripts); c.5284-13C>T (NM_001407666.1, NM_001407669.1, NM_001407665.1 and 3 more transcripts); c.1981-13C>T (NM_001408418.1, NM_001408420.1, NM_001408419.1); c.2095-13C>T (NM_001407981.1, NM_007298.4, NM_001407986.1 and 10 more transcripts); c.2098-13C>T (NM_001407978.1, NM_001407977.1, NM_001407976.1 and 3 more transcripts); c.5401-13C>T (NM_001407639.1, NM_001407630.1, NM_001407633.1 and 13 more transcripts); and 83 more.
Identifiers: ClinVar variation 868065 (VCV000868065.14), dbSNP rs761772657, ClinGen allele CA916080797.
Genomic context (GRCh38, chr17:43,047,716, plus strand): 5'-GTCCTCTGTCCAGGCATCTGGCTGCACAACCACAATTGGGTGGACACCCTGGATCCCCAG[G>A]AAGGAAAGAGCATTCAAAGTGTCAAAGTAGGACTACTGGAACTGTCACTTCATCATTTTT-3'

ClinVar aggregate classification (germline): Likely benign. Review status: criteria provided, multiple submitters, no conflicts (2 of 4 stars). 2 submissions from 2 submitters: Likely benign (2). Last evaluated 2019-10-21.

Conditions:
Hereditary cancer-predisposing syndrome. Also called: Neoplastic Syndromes, Hereditary; Tumor predisposition; Hereditary Cancer Syndrome; Hereditary neoplastic syndrome. Identifiers: Orphanet 140162, MedGen C0027672, MeSH D009386, MONDO:0015356.
Hereditary breast ovarian cancer syndrome. Also called: Hereditary breast and ovarian cancer; Hereditary breast and ovarian cancer syndrome (HBOC); Breast and ovarian cancer; Hereditary breast and/or ovarian cancer syndrome; BRCA1- and BRCA2-Associated Hereditary Breast and Ovarian Cancer; Hereditary breast and ovarian cancer syndrome. Identifiers: Orphanet 145, MedGen C0677776, MeSH D061325, MONDO:0003582. Disease mechanism: loss of function.

Submissions (3):

Color Diagnostics, LLC DBA Color Health
Classification: Likely benign for Hereditary cancer-predisposing syndrome. Last evaluated: 2019-10-21. Review status: criteria provided, single submitter. Criteria: ACMG Guidelines, 2015. Collection method: clinical testing. Allele origin: germline.

Labcorp Genetics (formerly Invitae), Labcorp
Classification: Likely benign for Hereditary breast ovarian cancer syndrome. Last evaluated: 2019-06-05. Review status: criteria provided, single submitter. Criteria: Invitae Variant Classification Sherloc (09022015). Collection method: clinical testing. Allele origin: germline.

Brotman Baty Institute, University of Washington
No classification provided (evidence only). Condition: Breast-ovarian cancer, familial 1. Review status: no classification provided. Collection method: in vitro. Allele origin: not applicable. Functional consequence: functionally_normal. Not counted in ClinVar's aggregate classification.
ClinVar note: "not provided" was previously submitted as the classification for the variant. However, the classification appeared to be based only on an observation of functional data so it was converted to no classification on 2025-07-30.